The following is an entry in ClinVar:

NM_000038.6(APC):c.7889T>C (p.Val2630Ala)

Gene: APC (APC regulator of Wnt signaling pathway; plus strand). Cytogenetic location: 5q22.2.
Variant type: single nucleotide variant.
Coding change: c.7889T>C on transcript NM_000038.6 (MANE Select); coding-DNA position 7889, T replaced by C.
Protein change: p.Val2630Ala; replaces valine 2630 with alanine.
Molecular consequence: missense variant.
Genome position (GRCh38, 1-based): chr5:112,843,483, T>C. VCF-style: chr5-112843483-T-C. GRCh37 (hg19) VCF-style: chr5-112179180-T-C.
Other names: p.Val2630Ala; c.7889T>C, p.Val2630Ala (NM_001127510.3, NM_001354895.2); c.7835T>C, p.Val2612Ala (NM_001127511.3); c.7943T>C, p.Val2648Ala (NM_001354896.2); c.7919T>C, p.Val2640Ala (NM_001354897.2); c.7814T>C, p.Val2605Ala (NM_001354898.2); c.7805T>C, p.Val2602Ala (NM_001354899.2); c.7766T>C, p.Val2589Ala (NM_001354900.2); and 6 more; short protein forms V2612A, V2630A, V2470A, V2605A, V2648A, V2347A, V2539A, V2529A.
Identifiers: ClinVar variation 233511 (VCV000233511.21), dbSNP rs876660453, ClinGen allele CA10578454.

ClinVar aggregate classification (germline): Uncertain significance. Review status: criteria provided, multiple submitters, no conflicts (2 of 4 stars). 6 submissions from 6 submitters: Uncertain significance (6). Last evaluated 2025-10-07.

Conditions:
Familial adenomatous polyposis 1 (FAP1). Also called: FAMILIAL ADENOMATOUS POLYPOSIS 1, ATTENUATED; POLYPOSIS, ADENOMATOUS INTESTINAL. Identifiers: MedGen C2713442, MONDO:0021056, OMIM 175100. Disease mechanism: loss of function.
Hereditary cancer-predisposing syndrome. Also called: Neoplastic Syndromes, Hereditary; Tumor predisposition; Hereditary Cancer Syndrome; Hereditary neoplastic syndrome. Identifiers: Orphanet 140162, MedGen C0027672, MeSH D009386, MONDO:0015356.

Allele frequency attached by ClinVar (database versions not stated): gnomAD exomes below 0.00001.
gnomAD v4.1: 1 of 1,614,010 alleles (0.000062%); highest among the groups gnomAD compares: Middle Eastern, 0.016%; no homozygotes.

Submissions (6):

Mayo Clinic Laboratories, Mayo Clinic
Classification: Uncertain significance. Last evaluated: 2025-10-07. Review status: criteria provided, single submitter. Criteria: ACMG Guidelines, 2015. Collection method: clinical testing. Allele origin: germline. Observed: 1 variant allele.
Comment: BP1

GeneDx
Classification: Uncertain significance. Last evaluated: 2025-08-14. Review status: criteria provided, single submitter. Criteria: GeneDx Variant Classification Process June 2021. Collection method: clinical testing. Allele origin: germline. Affected: yes.
Comment: Not observed at significant frequency in large population cohorts (gnomAD); In silico analysis suggests that this missense variant does not alter protein structure/function; Observed in a patient with colorectal cancer (PMID: 37306523); This variant is associated with the following publications: (PMID: 18199528, 37306523)

Labcorp Genetics (formerly Invitae), Labcorp
Classification: Uncertain significance for Familial adenomatous polyposis 1. Last evaluated: 2025-08-03. Review status: criteria provided, single submitter. Criteria: Invitae Variant Classification Sherloc (09022015). Collection method: clinical testing. Allele origin: germline.
Comment: This sequence change replaces valine, which is neutral and non-polar, with alanine, which is neutral and non-polar, at codon 2630 of the APC protein (p.Val2630Ala). This variant is not present in population databases (gnomAD no frequency). This variant has not been reported in the literature in individuals affected with APC-related conditions. ClinVar contains an entry for this variant (Variation ID: 233511). Invitae Evidence Modeling of protein sequence and biophysical properties (such as structural, functional, and spatial information, amino acid conservation, physicochemical variation, residue mobility, and thermodynamic stability) indicates that this missense variant is not expected to disrupt APC protein function with a negative predictive value of 95%. In summary, the available evidence is currently insufficient to determine the role of this variant in disease. Therefore, it has been classified as a Variant of Uncertain Significance.

Revvity Omics, Revvity
Classification: Uncertain significance. Last evaluated: 2022-12-15. Review status: criteria provided, single submitter. Criteria: ACMG Guidelines, 2015. Collection method: clinical testing. Allele origin: germline.

Color Diagnostics, LLC DBA Color Health
Classification: Uncertain significance for Hereditary cancer-predisposing syndrome. Last evaluated: 2019-05-14. Review status: criteria provided, single submitter. Criteria: ACMG Guidelines, 2015. Collection method: clinical testing. Allele origin: germline.

Ambry Genetics
Classification: Uncertain significance for Hereditary cancer-predisposing syndrome. Last evaluated: 2015-08-25. Review status: criteria provided, single submitter. Criteria: Ambry Variant Classification Scheme 2023. Collection method: clinical testing. Allele origin: germline.
Comment: The p.V2630A variant (also known as c.7889T>C), located in coding exon 15 of the APC gene, results from a T to C substitution at nucleotide position 7889. The valine at codon 2630 is replaced by alanine, an amino acid with similar properties. This variant was not reported in population based cohorts in the following databases: Database of Single Nucleotide Polymorphisms (dbSNP), NHLBI Exome Sequencing Project (ESP), and 1000 Genomes Project. In the ESP, this variant was not observed in 6499 samples (12998 alleles) with coverage at this position. To date, this alteration has been detected with an allele frequency of approximately 0.003% (greater than 32000 alleles tested) in our clinical cohort. This amino acid position is poorly conserved in available vertebrate species. In addition, in silico predictors for this gene do not accurately predict pathogenicity. Since supporting evidence is limited at this time, the clinical significance of p.V2630A remains unclear.